The following is an entry in ClinVar:

NM_006017.3(PROM1):c.133G>A (p.Asp45Asn)

Gene: PROM1 (prominin 1; minus strand). Cytogenetic location: 4p15.32.
Variant type: single nucleotide variant.
Coding change: c.133G>A on transcript NM_006017.3 (MANE Select); coding-DNA position 133, G replaced by A.
Protein change: p.Asp45Asn; replaces aspartic acid 45 with asparagine.
Molecular consequence: missense variant.
Genome position (GRCh38, 1-based): chr4:16,075,774, C>T on the plus strand (G>A on the coding strand, the complement: PROM1 is on the minus strand). VCF-style: chr4-16075774-C-T. GRCh37 (hg19) VCF-style: chr4-16077397-C-T.
Other names: c.133G>A, p.Asp45Asn (NM_001145847.2, NM_001145848.2, NM_001145849.2 and 6 more transcripts); short protein forms D45N.
Identifiers: ClinVar variation 1516178 (VCV001516178.6), dbSNP rs2149586099, ClinGen allele CA356437922.

ClinVar aggregate classification (germline): Uncertain significance (1 of 4 stars; one submission).

gnomAD v4.1: 1 of 1,613,822 alleles (0.000062%); highest among the groups gnomAD compares: East Asian, 0.0022%; no homozygotes.

Submission:

Labcorp Genetics (formerly Invitae), Labcorp
Classification: Uncertain significance. Last evaluated: 2022-10-05. Review status: criteria provided, single submitter. Criteria: Invitae Variant Classification Sherloc (09022015). Collection method: clinical testing. Allele origin: germline.
Comment: In summary, the available evidence is currently insufficient to determine the role of this variant in disease. Therefore, it has been classified as a Variant of Uncertain Significance. Advanced modeling of protein sequence and biophysical properties (such as structural, functional, and spatial information, amino acid conservation, physicochemical variation, residue mobility, and thermodynamic stability) has been performed at Invitae for this missense variant, however the output from this modeling did not meet the statistical confidence thresholds required to predict the impact of this variant on PROM1 protein function. ClinVar contains an entry for this variant (Variation ID: 1516178). This variant has not been reported in the literature in individuals affected with PROM1-related conditions. This variant is not present in population databases (gnomAD no frequency). This sequence change replaces aspartic acid, which is acidic and polar, with asparagine, which is neutral and polar, at codon 45 of the PROM1 protein (p.Asp45Asn).